The following is an entry in ClinVar:

NM_033026.6(PCLO):c.4866T>G (p.Asp1622Glu)

Gene: PCLO (piccolo presynaptic cytomatrix protein; minus strand). Cytogenetic location: 7q21.11.
Variant type: single nucleotide variant.
Coding change: c.4866T>G on transcript NM_033026.6 (MANE Select); coding-DNA position 4866, T replaced by G.
Protein change: p.Asp1622Glu; replaces aspartic acid 1622 with glutamic acid.
Molecular consequence: missense variant.
Genome position (GRCh38, 1-based): chr7:82,956,087, A>C on the plus strand (T>G on the coding strand, the complement: PCLO is on the minus strand). VCF-style: chr7-82956087-A-C. GRCh37 (hg19) VCF-style: chr7-82585403-A-C.
Other names: c.4866T>G, p.Asp1622Glu (NM_014510.3); short protein forms D1622E.
Identifiers: ClinVar variation 2000560 (VCV002000560.4), dbSNP rs2535709864, ClinGen allele CA367925797.

ClinVar aggregate classification (germline): Uncertain significance (1 of 4 stars; one submission).

Submission:

Labcorp Genetics (formerly Invitae), Labcorp
Classification: Uncertain significance. Last evaluated: 2024-10-23. Review status: criteria provided, single submitter. Criteria: Invitae Variant Classification Sherloc (09022015). Collection method: clinical testing. Allele origin: germline.
Comment: This sequence change replaces aspartic acid, which is acidic and polar, with glutamic acid, which is acidic and polar, at codon 1622 of the PCLO protein (p.Asp1622Glu). This variant is not present in population databases (gnomAD no frequency). This variant has not been reported in the literature in individuals affected with PCLO-related conditions. ClinVar contains an entry for this variant (Variation ID: 2000560). An algorithm developed to predict the effect of missense changes on protein structure and function outputs the following: PolyPhen-2: "Not Available". The glutamic acid amino acid residue is found in multiple mammalian species, which suggests that this missense change does not adversely affect protein function. In summary, the available evidence is currently insufficient to determine the role of this variant in disease. Therefore, it has been classified as a Variant of Uncertain Significance.